The following is an entry in ClinVar:

ClinVar aggregate classification (germline): Uncertain significance (1 of 4 stars; one submission).

Conditions:
Infantile spasms. Also called: Infantile spasm. Identifiers: MedGen C3887898, HP:0012469.

Allele frequency attached by ClinVar (database versions not stated): gnomAD exomes 0.00001 and below 0.00001; ExAC 0.00001.
gnomAD v4.1: 7 of 1,614,214 alleles (0.00043%); highest among the groups gnomAD compares: Middle Eastern, 0.016%; no homozygotes.

Submission:

Labcorp Genetics (formerly Invitae), Labcorp
Classification: Uncertain significance for Infantile spasms. Last evaluated: 2024-05-23. Review status: criteria provided, single submitter. Criteria: Invitae Variant Classification Sherloc (09022015). Collection method: clinical testing. Allele origin: germline.
Comment: This sequence change replaces lysine, which is basic and polar, with arginine, which is basic and polar, at codon 306 of the PIK3AP1 protein (p.Lys306Arg). This variant is not present in population databases (gnomAD no frequency). This variant has not been reported in the literature in individuals affected with PIK3AP1-related conditions. ClinVar contains an entry for this variant (Variation ID: 541750). An algorithm developed to predict the effect of missense changes on protein structure and function (PolyPhen-2) suggests that this variant is likely to be disruptive. In summary, the available evidence is currently insufficient to determine the role of this variant in disease. Therefore, it has been classified as a Variant of Uncertain Significance.

NM_152309.3(PIK3AP1):c.917A>G (p.Lys306Arg)

Gene: PIK3AP1 (phosphoinositide-3-kinase adaptor protein 1; minus strand). Cytogenetic location: 10q24.1.
Variant type: single nucleotide variant.
Coding change: c.917A>G on transcript NM_152309.3 (MANE Select); coding-DNA position 917, A replaced by G.
Protein change: p.Lys306Arg; replaces lysine 306 with arginine.
Molecular consequence: missense variant.
Genome position (GRCh38, 1-based): chr10:96,651,319, T>C on the plus strand (A>G on the coding strand, the complement: PIK3AP1 is on the minus strand). VCF-style: chr10-96651319-T-C. GRCh37 (hg19) VCF-style: chr10-98411076-T-C.
Other names: short protein forms K306R.
Identifiers: ClinVar variation 541750 (VCV000541750.10), dbSNP rs539294987, ClinGen allele CA5626417.